The following is an entry in ClinVar:

ClinVar aggregate classification (germline): Uncertain significance (1 of 4 stars; one submission).

Conditions:
Intellectual developmental disorder, autosomal recessive 65. Also called: MENTAL RETARDATION, AUTOSOMAL RECESSIVE 65; Intellectual disability, autosomal recessive 65. Identifiers: MedGen C4748219, MONDO:0020850, OMIM 618109.

Submission:

Juno Genomics, Hangzhou Juno Genomics, Inc
Classification: Uncertain significance for Intellectual developmental disorder, autosomal recessive 65. Review status: criteria provided, single submitter. Criteria: ACMG Guidelines, 2015. Collection method: clinical testing. Allele origin: germline.
Comment: Absent from controls (or at extremely low frequency if recessive) in Genome Aggregation Database.

NM_006618.5(KDM5B):c.436G>A (p.Val146Ile)

Gene: KDM5B (lysine demethylase 5B; minus strand). Cytogenetic location: 1q32.1.
Variant type: single nucleotide variant.
Coding change: c.436G>A on transcript NM_006618.5 (MANE Select); coding-DNA position 436, G replaced by A.
Protein change: p.Val146Ile; replaces valine 146 with isoleucine.
Molecular consequence: missense variant.
Genome position (GRCh38, 1-based): chr1:202,773,258, C>T on the plus strand (G>A on the coding strand, the complement: KDM5B is on the minus strand). VCF-style: chr1-202773258-C-T. GRCh37 (hg19) VCF-style: chr1-202742386-C-T.
Other names: c.436G>A, p.Val146Ile (NM_001314042.2, NM_001347591.2); c.421G>A, p.Val141Ile (NM_001399817.1); short protein forms V141I, V146I.
Identifiers: ClinVar variation 5005587 (VCV005005587.2).